The following is an entry in ClinVar:

NM_004972.4(JAK2):c.3223G>A (p.Val1075Met)

Genes: INSL6 (insulin like 6; minus strand), JAK2 (Janus kinase 2; plus strand). Cytogenetic location: 9p24.1.
Variant type: single nucleotide variant.
Coding change: c.3223G>A on transcript NM_004972.4 (MANE Select); coding-DNA position 3223, G replaced by A.
Protein change: p.Val1075Met; replaces valine 1075 with methionine.
Molecular consequence: missense variant. On other transcripts: non-coding transcript variant (2).
Genome position (GRCh38, 1-based): chr9:5,126,378, G>A. VCF-style: chr9-5126378-G-A. GRCh37 (hg19) VCF-style: chr9-5126378-G-A.
Other names: c.3223G>A, p.Val1075Met (NM_001322194.2, NM_001322195.2, NM_001322196.2); c.2008G>A, p.Val670Met (NM_001322198.2, NM_001322199.2); c.2776G>A, p.Val926Met (NM_001322204.2); short protein forms V670M, V926M, V1075M.
Identifiers: ClinVar variation 2848262 (VCV002848262.4), dbSNP rs775568041, ClinGen allele CA372830335.

ClinVar aggregate classification (germline): Uncertain significance. Review status: criteria provided, multiple submitters, no conflicts (2 of 4 stars). 2 submissions from 2 submitters: Uncertain significance (2). Last evaluated 2025-12-20.

Allele frequency attached by ClinVar (database versions not stated): TOPMed 0.00001.
gnomAD v4.1: 9 of 1,610,960 alleles (0.00056%); highest among the groups gnomAD compares: Admixed American, 0.0017%; no homozygotes.

Submissions (2):

Labcorp Genetics (formerly Invitae), Labcorp
Classification: Uncertain significance. Last evaluated: 2025-12-20. Review status: criteria provided, single submitter. Criteria: Invitae Variant Classification Sherloc (09022015). Collection method: clinical testing. Allele origin: germline.
Comment: This sequence change replaces valine, which is neutral and non-polar, with methionine, which is neutral and non-polar, at codon 1075 of the JAK2 protein (p.Val1075Met). This variant is present in population databases (no rsID available, gnomAD 0.003%). This variant has not been reported in the literature in individuals affected with JAK2-related conditions. ClinVar contains an entry for this variant (Variation ID: 2848262). Invitae Evidence Modeling of protein sequence and biophysical properties (such as structural, functional, and spatial information, amino acid conservation, physicochemical variation, residue mobility, and thermodynamic stability) indicates that this missense variant is not expected to disrupt JAK2 protein function with a negative predictive value of 80%. In summary, the available evidence is currently insufficient to determine the role of this variant in disease. Therefore, it has been classified as a Variant of Uncertain Significance.

Blueprint Genetics
Classification: Uncertain significance. Last evaluated: 2022-09-09. Review status: criteria provided, single submitter. Criteria: ACMG Guidelines, 2015. Collection method: clinical testing. Allele origin: germline.